The following is an entry in ClinVar:

ClinVar aggregate classification (germline): Uncertain significance (1 of 4 stars; one submission).

Conditions:
Diamond-Blackfan anemia. Also called: Blackfan Diamond syndrome; Aregenerative anemia chronic congenital; Red cell aplasia, pure hereditary; Congenital hypoplastic anemia; Aase syndrome. Identifiers: Orphanet 124, MedGen C1260899, MeSH D029503, MONDO:0015253, HP:0004810.

Submission:

Labcorp Genetics (formerly Invitae), Labcorp
Classification: Uncertain significance for Diamond-Blackfan anemia. Last evaluated: 2025-09-24. Review status: criteria provided, single submitter. Criteria: Invitae Variant Classification Sherloc (09022015). Collection method: clinical testing. Allele origin: germline.
Comment: This sequence change replaces phenylalanine, which is neutral and non-polar, with leucine, which is neutral and non-polar, at codon 53 of the RPS19 protein (p.Phe53Leu). This variant is not present in population databases (gnomAD no frequency). This variant has not been reported in the literature in individuals affected with RPS19-related conditions. An algorithm developed to predict the effect of missense changes on protein structure and function (PolyPhen-2) suggests that this variant is likely to be tolerated. In summary, the available evidence is currently insufficient to determine the role of this variant in disease. Therefore, it has been classified as a Variant of Uncertain Significance.

NM_001022.4(RPS19):c.159C>G (p.Phe53Leu)

Genes: RPS19 (ribosomal protein S19; plus strand), RPS19-CD79A (RPS19-CD79A readthrough; plus strand). Cytogenetic location: 19q13.2.
Variant type: single nucleotide variant.
Coding change: c.159C>G on transcript NM_001022.4 (MANE Select); coding-DNA position 159, C replaced by G.
Protein change: p.Phe53Leu; replaces phenylalanine 53 with leucine.
Molecular consequence: missense variant.
Genome position (GRCh38, 1-based): chr19:41,861,199, C>G. VCF-style: chr19-41861199-C-G. GRCh37 (hg19) VCF-style: chr19-42365268-C-G.
Other names: c.159C>G, p.Phe53Leu (NM_001321483.2, NM_001321484.2, NM_001321485.2); short protein forms F53L.
Identifiers: ClinVar variation 4727815 (VCV004727815.1).